The following is an entry in ClinVar:

NM_001165963.4(SCN1A):c.3732G>A (p.Gln1244=)

Genes: SCN1A (sodium voltage-gated channel alpha subunit 1; minus strand), LOC102724058 (uncharacterized LOC102724058; plus strand). Cytogenetic location: 2q24.3.
Variant type: single nucleotide variant.
Coding change: c.3732G>A on transcript NM_001165963.4 (MANE Select); coding-DNA position 3732, G replaced by A.
Protein change: p.Gln1244=; no amino-acid change (glutamine 1244 retained).
Molecular consequence: synonymous variant. On other transcripts: non-coding transcript variant (1).
Genome position (GRCh38, 1-based): chr2:166,012,256, C>T on the plus strand (G>A on the coding strand, the complement: SCN1A is on the minus strand). VCF-style: chr2-166012256-C-T. GRCh37 (hg19) VCF-style: chr2-166868766-C-T.
Other names: c.3648G>A, p.Gln1216= (NM_001165964.3, NM_001353957.2, NM_001353958.2); c.3732G>A, p.Gln1244= (NM_001202435.3, NM_001353948.2); c.3699G>A, p.Gln1233= (NM_001353949.2, NM_001353950.2, NM_001353951.2 and 2 more transcripts); c.3696G>A, p.Gln1232= (NM_001353954.2, NM_001353955.2); c.3645G>A, p.Gln1215= (NM_001353960.2); c.1290G>A, p.Gln430= (NM_001353961.2); c.3732G>A (NM_001202435.1).
Identifiers: ClinVar variation 194933 (VCV000194933.21), dbSNP rs369688121, ClinGen allele CA241175.
Genomic context (GRCh38, chr2:166,012,256, plus strand): 5'-AATGAAAATGTAAGTGAAAACCTTGTCAGCATATTCCAACATCGTCTTAATCGTCTTTCG[C>T]TGATCAATATATATATCTTCAAATGCCTATAAAGAAAATGTTACACATTATTAGCTTTCA-3'
Protein context (NP_001159435.1, residues 1234-1254): ALAFEDIYID[Gln1244=]RKTIKTMLEY

ClinVar aggregate classification (germline): Conflicting classifications of pathogenicity. Review status: criteria provided, conflicting classifications (1 of 4 stars). 6 submissions from 5 submitters: Uncertain significance (3); Likely benign (2). 1 of the submissions does not count toward it. Last evaluated 2025-04-08.

Conditions:
SCN1A-related disorder. Also called: SCN1A-related disorders; SCN1A-related conditions; SCN1A-related condition.
Early-infantile DEE. Also called: Early infantile epileptic encephalopathy with suppression bursts; Ohtahara syndrome; Early infantile epileptic encephalopathy. Identifiers: Orphanet 1934, MedGen C0393706, MONDO:0800491.
Migraine, familial hemiplegic, 3. Identifiers: Orphanet 569, MedGen C1864987, MONDO:0012320, OMIM 609634.
Generalized epilepsy with febrile seizures plus, type 2 (GEFSP2). Also called: GEFS+, TYPE 2. Identifiers: Orphanet 36387, MedGen C1858673, MONDO:0011461, OMIM 604403.

Allele frequency attached by ClinVar (database versions not stated): gnomAD exomes below 0.00001 and 0.00001; ExAC 0.00001; gnomAD 0.00005 and 0.00006; TOPMed 0.00006; ESP Exome Variant Server 0.00008.
gnomAD v4.1: 14 of 1,608,900 alleles (0.00087%); highest among the groups gnomAD compares: African/African-American, 0.015%; no homozygotes.

Submissions (6):

Labcorp Genetics (formerly Invitae), Labcorp
Classification: Likely benign for Early-infantile DEE. Last evaluated: 2025-04-08. Review status: criteria provided, single submitter. Criteria: Invitae Variant Classification Sherloc (09022015). Collection method: clinical testing. Allele origin: germline.

GeneDx
Classification: Likely benign. Last evaluated: 2020-02-27. Review status: criteria provided, single submitter. Criteria: GeneDx Variant Classification Process June 2021. Collection method: clinical testing. Allele origin: germline. Affected: yes.

Illumina Laboratory Services, Illumina
Classification: Uncertain significance for Migraine, familial hemiplegic, 3. Last evaluated: 2017-04-28. Review status: criteria provided, single submitter. Criteria: ICSL Variant Classification Criteria 13 December 2019. Collection method: clinical testing. Allele origin: germline.

Illumina Laboratory Services, Illumina
Classification: Uncertain significance for Generalized epilepsy with febrile seizures plus, type 2. Last evaluated: 2017-04-28. Review status: criteria provided, single submitter. Criteria: ICSL Variant Classification Criteria 13 December 2019. Collection method: clinical testing. Allele origin: germline.

Eurofins Ntd Llc (ga)
Classification: Uncertain significance. Last evaluated: 2015-04-30. Review status: criteria provided, single submitter. Criteria: EGL Classification Definitions 2015. Collection method: clinical testing. Allele origin: germline. Observed: 1 variant allele, 1 heterozygote.

PreventionGenetics, part of Exact Sciences
Classification: Likely benign for SCN1A-related condition. Last evaluated: 2024-06-28. Review status: no assertion criteria provided. Collection method: clinical testing. Allele origin: germline. Not counted in ClinVar's aggregate classification.
Comment: This variant is classified as likely benign based on ACMG/AMP sequence variant interpretation guidelines (Richards et al. 2015 PMID: 25741868, with internal and published modifications).